The following is an entry in ClinVar:

NM_000169.3(GLA):c.641C>T (p.Pro214Leu)

Genes: GLA (galactosidase alpha; minus strand), RPL36A-HNRNPH2 (RPL36A-HNRNPH2 readthrough; plus strand). Cytogenetic location: Xq22.1.
Variant type: single nucleotide variant.
Coding change: c.641C>T on transcript NM_000169.3 (MANE Select); coding-DNA position 641, C replaced by T.
Protein change: p.Pro214Leu; replaces proline 214 with leucine.
Molecular consequence: missense variant. On other transcripts: non-coding transcript variant (3), intron variant (2).
Genome position (GRCh38, 1-based): chrX:101,398,945, G>A on the plus strand (C>T on the coding strand, the complement: GLA is on the minus strand). VCF-style: chrX-101398945-G-A. GRCh37 (hg19) VCF-style: chrX-100653933-G-A.
Other names: c.764C>T, p.Pro255Leu (NM_001406747.1); c.641C>T, p.Pro214Leu (NM_001406748.1); c.300+3488G>A (NM_001199973.2); c.177+7123G>A (NM_001199974.2); short protein forms P214L, P255L.
Identifiers: ClinVar variation 217392 (VCV000217392.8), dbSNP rs869312150, ClinGen allele CA353062.

ClinVar aggregate classification (germline): Likely pathogenic. Review status: criteria provided, multiple submitters, no conflicts (2 of 4 stars). 4 submissions from 3 submitters: Likely pathogenic (2). 2 of the submissions do not count toward it. Last evaluated 2026-09-08.

Conditions:
Fabry disease. Also called: ALPHA-GALACTOSIDASE A DEFICIENCY; ANDERSON-FABRY DISEASE; CERAMIDE TRIHEXOSIDASE DEFICIENCY; Fabry's disease; Angiokeratoma corporis diffusum; Ceramide trihexosidosis. Identifiers: Orphanet 324, MedGen C0002986, MONDO:0010526, OMIM 301500, HP:0001071. Disease mechanism: loss of function, Fabry disease is due to inactivating mutations in the X-linked GLA gene resulting in deficiency of the enzyme Alpha Galactosidase-A..
Migalastat response. Also called: 1-Deoxygalactonojirimycin response; Galafold response. Identifiers: MedGen CN233149.

Allele frequency attached by ClinVar (database versions not stated): gnomAD exomes below 0.00001.
gnomAD v4.1: 1 of 1,202,500 alleles (0.000083%); highest among the groups gnomAD compares: Non-Finnish European, 0.00011%; no homozygotes.

Submissions (4):

Genomenon, Inc
Classification: Likely pathogenic for Fabry disease. Last evaluated: 2026-09-08. Review status: criteria provided, single submitter. Criteria: Genomenon Sequence Variant Interpretation Standards - Updated. Collection method: curation. Allele origin: germline. Affected: yes.
Comment: GLA p.Pro214Leu (c.641C>T) is a missense variant that changes the amino acid at codon 214 from Proline to Leucine. This variant has been observed in at least one proband with clinical features consistent with Fabry disease (PMID:26415523;30261035;31246960). Functional or patient cell studies have been reported (PMID:32023956;26415523;27657681). It is absent or not present at a significant frequency in gnomAD. In silico models predict that this variant is possibly or probably damaging. In conclusion, we classify GLA p.Pro214Leu (c.641C>T) as a likely pathogenic variant.

Labcorp Genetics (formerly Invitae), Labcorp
Classification: Likely pathogenic for Fabry disease. Last evaluated: 2025-11-06. Review status: criteria provided, single submitter. Criteria: Invitae Variant Classification Sherloc (09022015). Collection method: clinical testing. Allele origin: germline.
Comment: This sequence change replaces proline, which is neutral and non-polar, with leucine, which is neutral and non-polar, at codon 214 of the GLA protein (p.Pro214Leu). This variant is not present in population databases (gnomAD no frequency). This missense change has been observed in individual(s) with Fabry disease (PMID: 26415523, 30261035; internal data). ClinVar contains an entry for this variant (Variation ID: 217392). An algorithm developed to predict the effect of missense changes on protein structure and function (PolyPhen-2) suggests that this variant is likely to be disruptive. Experimental studies have shown that this missense change affects GLA function (PMID: 26415523, 27657681, 32023956). This variant disrupts the p.Pro214 amino acid residue in GLA. Other variant(s) that disrupt this residue have been observed in individuals with GLA-related conditions (PMID: 23756194), which suggests that this may be a clinically significant amino acid residue. In summary, the currently available evidence indicates that the variant is pathogenic, but additional data are needed to prove that conclusively. Therefore, this variant has been classified as Likely Pathogenic.

Albrecht-Kossel-Institute, Medical University Rostock
Classification: Likely pathogenic for Fabry's disease. Last evaluated: 2014-01-01. Review status: no assertion criteria provided. Collection method: research. Allele origin: inherited. Not counted in ClinVar's aggregate classification.

Albrecht-Kossel-Institute, Medical University Rostock
Classification: drug response for deoxygalactonojirimycin response. Last evaluated: 2014-01-01. Review status: no assertion criteria provided. Collection method: research. Allele origin: inherited. Not counted in ClinVar's aggregate classification.

Literature cited by the submitters: PubMed 26415523 (cited by 3 submitters); PubMed 30261035 (cited by Genomenon, Inc and Labcorp Genetics (formerly Invitae), Labcorp); PubMed 31246960 (cited by Genomenon, Inc); PubMed 32023956 (cited by Genomenon, Inc and Labcorp Genetics (formerly Invitae), Labcorp); PubMed 27657681 (cited by Genomenon, Inc and Labcorp Genetics (formerly Invitae), Labcorp); PubMed 23756194 (cited by Labcorp Genetics (formerly Invitae), Labcorp).